The following is an entry in ClinVar:

NM_001886.3(CRYBA4):c.300+2T>C

Gene: CRYBA4 (crystallin beta A4; plus strand). Cytogenetic location: 22q12.1.
Variant type: single nucleotide variant.
Coding change: c.300+2T>C on transcript NM_001886.3 (MANE Select); the canonical splice donor site of the intron after coding-DNA position 300, T replaced by C.
Molecular consequence: splice donor variant.
Genome position (GRCh38, 1-based): chr22:26,625,624, T>C. VCF-style: chr22-26625624-T-C. GRCh37 (hg19) VCF-style: chr22-27021588-T-C.
Identifiers: ClinVar variation 1399289 (VCV001399289.5), dbSNP rs372271933, ClinGen allele CA10165762.

ClinVar aggregate classification (germline): Uncertain significance (1 of 4 stars; one submission).

Conditions:
Cataract 23 (CTRCT23). Also called: Cataract 23, multiple types; CATARACT 23, LAMELLAR. Identifiers: Orphanet 91492, MedGen C3808012, MONDO:0012489, OMIM 610425.

Allele frequency attached by ClinVar (database versions not stated): ExAC 0.00003; gnomAD 0.00003; gnomAD exomes 0.00005 and 0.00012; TOPMed 0.00005; ESP Exome Variant Server 0.00008.
gnomAD v4.1: 172 of 1,613,598 alleles (0.011%); highest among the groups gnomAD compares: Middle Eastern, 0.033%; no homozygotes.

Submission:

Labcorp Genetics (formerly Invitae), Labcorp
Classification: Uncertain significance for Cataract 23. Last evaluated: 2022-01-15. Review status: criteria provided, single submitter. Criteria: Invitae Variant Classification Sherloc (09022015). Collection method: clinical testing. Allele origin: germline.
Comment: This variant has not been reported in the literature in individuals affected with CRYBA4-related conditions. Algorithms developed to predict the effect of sequence changes on RNA splicing suggest that this variant may disrupt the consensus splice site. In summary, the available evidence is currently insufficient to determine the role of this variant in disease. Therefore, it has been classified as a Variant of Uncertain Significance. This variant is present in population databases (rs372271933, gnomAD 0.01%). This sequence change affects a donor splice site in intron 4 of the CRYBA4 gene. It is expected to disrupt RNA splicing. Variants that disrupt the donor or acceptor splice site typically lead to a loss of protein function (PMID: 16199547), however the current clinical and genetic evidence is not sufficient to establish whether loss-of-function variants in CRYBA4 cause disease.

Literature cited by the submitters: PubMed 16199547.